The following is an entry in ClinVar:

NM_001609.4(ACADSB):c.746del (p.Pro249fs)

Gene: ACADSB (acyl-CoA dehydrogenase short/branched chain; plus strand). Cytogenetic location: 10q26.13.
Variant type: Deletion.
Coding change: c.746del on transcript NM_001609.4 (MANE Select); coding-DNA position 746, one base deleted (C; older notation c.746delC).
Protein change: p.Pro249fs; shifts the reading frame from proline 249.
Molecular consequence: frameshift variant.
Genome position (GRCh38, 1-based): chr10:123,043,110, C deleted; the last of 2 consecutive C bases (chr10:123,043,109-123,043,110); deleting either gives the same sequence. VCF-style (leftmost placement, unchanged base first): chr10-123043108-AC-A. GRCh37 (hg19) VCF-style: chr10-124802624-AC-A.
Other names: c.440del, p.Pro147fs (NM_001330174.3); short protein forms P249fs, P147fs.
Identifiers: ClinVar variation 2572604 (VCV002572604.8), dbSNP rs779015128, ClinGen allele CA5730802.

ClinVar aggregate classification (germline): Pathogenic. Review status: criteria provided, single submitter (1 of 4 stars). 3 submissions from 3 submitters: Pathogenic (1). 2 of the submissions do not count toward it.

Conditions:
Deficiency of 2-methylbutyryl-CoA dehydrogenase (ACADSB). Also called: 2-methylbutyrylglycinuria; 2-methylbutyryl-CoA dehydrogenase deficiency; SBCAD deficiency; 2-methylbutyric aciduria; Short branched-chain acyl-CoA dehydrogenase deficiency. Identifiers: Orphanet 79157, MedGen C1864912, MONDO:0012392, OMIM 610006, HP:0020147.

Submissions (3):

Juno Genomics, Hangzhou Juno Genomics, Inc
Classification: Pathogenic for Deficiency of 2-methylbutyryl-CoA dehydrogenase. Review status: criteria provided, single submitter. Criteria: ACMG Guidelines, 2015. Collection method: clinical testing. Allele origin: germline.
Comment: Absent from controls (or at extremely low frequency if recessive) in Genome Aggregation Database.;Null variant in a gene where loss of function (LOF) is a known mechanism of disease.;For recessive disorders, detected in trans with a pathogenic variant.;Patient's phenotype or family history is highly specific for a disease with a single genetic etiology.

Gene Friend Way, National Innovation Center
Classification: Likely pathogenic. Last evaluated: 2023-07-28. Review status: no assertion criteria provided. Collection method: clinical testing. Allele origin: unknown. Affected: no. Observed: 2 variant alleles. Not counted in ClinVar's aggregate classification.
Comment: This rs779015128 is a frameshift mutation. The ACADSB gene product has the greatest activity towards the short branched chain acyl-CoA derivative, (S)-2-methylbutyryl-CoA. 2-methylbutyryl-CoA dehydrogenase deficiency associated with autism and mental retardation (PMID: 17883863), developmental delay (PMID: 12837870). In our study, two children diagnosed with Autism Spectrum Disorder are carriers of this mutation.

Neonatal Disease Screening Center, Medical Genetics Center, Huaihua City Maternal and Child Health Care Hospital
Classification: Likely pathogenic for Deficiency of 2-methylbutyryl-CoA dehydrogenase. Review status: no assertion criteria provided. Criteria: ACMG Guidelines, 2015. Collection method: clinical testing. Allele origin: germline. Affected: yes. Observed: 1 variant allele. Not counted in ClinVar's aggregate classification.
Comment: PVS1+PM3